The following is an entry in ClinVar:

ClinVar aggregate classification (germline): Pathogenic (1 of 4 stars; one submission).

Conditions:
Developmental and epileptic encephalopathy, 9 (DEE9). Also called: JUBERG-HELLMAN SYNDROME; Early infantile epileptic encephalopathy 9; PCDH19-Related X-Linked Female-Limited Epilepsy with Mental Retardation; EPILEPSY, FEMALE-RESTRICTED, WITH MENTAL RETARDATION. Identifiers: Orphanet 101039, Orphanet 2076, MedGen C1848137, MONDO:0010246, OMIM 300088. Disease mechanism: loss of function.

Submission:

Labcorp Genetics (formerly Invitae), Labcorp
Classification: Pathogenic for Developmental and epileptic encephalopathy, 9. Last evaluated: 2024-04-11. Review status: criteria provided, single submitter. Criteria: Invitae Variant Classification Sherloc (09022015). Collection method: clinical testing. Allele origin: germline.
Comment: This sequence change creates a premature translational stop signal (p.Glu766Serfs*34) in the PCDH19 gene. It is expected to result in an absent or disrupted protein product. Loss-of-function variants in PCDH19 are known to be pathogenic (PMID: 21053371). This variant is not present in population databases (gnomAD no frequency). This variant has not been reported in the literature in individuals affected with PCDH19-related conditions. For these reasons, this variant has been classified as Pathogenic.

Literature cited by the submitters: PubMed 21053371.

NM_001184880.2(PCDH19):c.2295del (p.Glu766fs)

Genes: PCDH19 (protocadherin 19; minus strand), LOC125467768 (CDK7 strongly-dependent group 2 enhancer GRCh37_chrX:99657381-99658580; plus strand). Cytogenetic location: Xq22.1.
Variant type: Deletion.
Coding change: c.2295del on transcript NM_001184880.2 (MANE Select); coding-DNA position 2295, one base deleted (T; older notation c.2295delT).
Protein change: p.Glu766fs; shifts the reading frame from glutamic acid 766.
Molecular consequence: frameshift variant.
Genome position (GRCh38, 1-based): chrX:100,402,845, A deleted on the plus strand (T on the coding strand, the reverse complement: PCDH19 is on the minus strand). VCF-style (leftmost placement, unchanged base first): chrX-100402844-CA-C. GRCh37 (hg19) VCF-style: chrX-99657842-CA-C.
Other names: c.2154del, p.Glu719fs (NM_001105243.2, NM_020766.3); short protein forms E766fs, E719fs.
Identifiers: ClinVar variation 3640142 (VCV003640142.2).